The following is an entry in ClinVar:

ClinVar aggregate classification (germline): Conflicting classifications of pathogenicity. Review status: criteria provided, conflicting classifications (1 of 4 stars). 4 submissions from 4 submitters: Uncertain significance (3); Likely benign (1). Last evaluated 2026-01-28.

Conditions:
Hereditary cancer-predisposing syndrome. Also called: Tumor predisposition; Hereditary Cancer Syndrome; Hereditary neoplastic syndrome; Neoplastic Syndromes, Hereditary. Identifiers: Orphanet 140162, MedGen C0027672, MeSH D009386, MONDO:0015356.
Renal cell carcinoma. Identifiers: Orphanet 217071, MedGen C0007134, MeSH D002292, MONDO:0005086, HP:0005584.
Papillary renal cell carcinoma type 1 (RCCP1). Also called: RENAL CELL CARCINOMA, PAPILLARY, 1, SOMATIC; Renal adenocarcinoma; Renal cell carcinoma 1; Renal cell carcinoma, somatic. Identifiers: Orphanet 47044, MedGen C1336839, OMIM 605074, HP:0011797.

Allele frequency attached by ClinVar (database versions not stated): ExAC 0.00001; TOPMed 0.00004; gnomAD exomes 0.00001; gnomAD 0.00003.
gnomAD v4.1: 39 of 1,613,702 alleles (0.0024%); highest among the groups gnomAD compares: Admixed American, 0.0033%; no homozygotes.

Submissions (4):

Labcorp Genetics (formerly Invitae), Labcorp
Classification: Uncertain significance for Renal cell carcinoma. Last evaluated: 2026-01-28. Review status: criteria provided, single submitter. Criteria: Invitae Variant Classification Sherloc (09022015). Collection method: clinical testing. Allele origin: germline.
Comment: This sequence change replaces valine, which is neutral and non-polar, with methionine, which is neutral and non-polar, at codon 13 of the MET protein (p.Val13Met). This variant is present in population databases (rs781777052, gnomAD 0.003%). This variant has not been reported in the literature in individuals affected with MET-related conditions. ClinVar contains an entry for this variant (Variation ID: 411901). Invitae Evidence Modeling of protein sequence and biophysical properties (such as structural, functional, and spatial information, amino acid conservation, physicochemical variation, residue mobility, and thermodynamic stability) indicates that this missense variant is not expected to disrupt MET protein function with a negative predictive value of 80%. In summary, the available evidence is currently insufficient to determine the role of this variant in disease. Therefore, it has been classified as a Variant of Uncertain Significance.

St. Jude Molecular Pathology, St. Jude Children's Research Hospital
Classification: Uncertain significance for Papillary renal cell carcinoma type 1. Last evaluated: 2024-11-12. Review status: criteria provided, single submitter. Criteria: St. Jude Assertion Criteria 2020. Collection method: clinical testing. Allele origin: germline.
Comment: The MET c.37G>A (p.Val13Met) missense change has a maximum subpopulation frequency of 0.003% in gnomAD v2.1.1. The in silico tool REVEL predicts a benign effect on protein function, but to our knowledge this prediction has not been confirmed by functional studies. To our knowledge, this variant has not been reported in individuals with hereditary papillary renal cell carcinoma. In summary, the evidence currently available is insufficient to determine the clinical significance of this variant. It has therefore been classified as of uncertain significance.

GeneDx
Classification: Uncertain significance. Last evaluated: 2023-07-30. Review status: criteria provided, single submitter. Criteria: GeneDx Variant Classification Process June 2021. Collection method: clinical testing. Allele origin: germline. Affected: yes.
Comment: Not observed at significant frequency in large population cohorts (gnomAD); In silico analysis supports that this missense variant does not alter protein structure/function; Has not been previously published as pathogenic or benign to our knowledge

Ambry Genetics
Classification: Likely benign for Hereditary cancer-predisposing syndrome. Last evaluated: 2020-11-04. Review status: criteria provided, single submitter. Criteria: Ambry Variant Classification Scheme 2023. Collection method: clinical testing. Allele origin: germline.

NM_000245.4(MET):c.37G>A (p.Val13Met)

Gene: MET (MET proto-oncogene, receptor tyrosine kinase; plus strand). Cytogenetic location: 7q31.2.
Variant type: single nucleotide variant.
Coding change: c.37G>A on transcript NM_000245.4 (MANE Select); coding-DNA position 37, G replaced by A.
Protein change: p.Val13Met; replaces valine 13 with methionine.
Molecular consequence: missense variant. On other transcripts: intron variant (1).
Genome position (GRCh38, 1-based): chr7:116,699,121, G>A. VCF-style: chr7-116699121-G-A. GRCh37 (hg19) VCF-style: chr7-116339175-G-A.
Other names: c.37G>A, p.Val13Met (NM_001127500.3, NM_001324401.3); c.-91+26544G>A (NM_001324402.2); short protein forms V13M.
Identifiers: ClinVar variation 411901 (VCV000411901.19), dbSNP rs781777052, ClinGen allele CA4447934.
Genomic context (GRCh38, chr7:116,699,121, plus strand): 5'-GTTTTGGCAGATAAACCTCTCATAATGAAGGCCCCCGCTGTGCTTGCACCTGGCATCCTC[G>A]TGCTCCTGTTTACCTTGGTGCAGAGGAGCAATGGGGAGTGTAAAGAGGCACTAGCAAAGT-3'
Protein context (NP_000236.2, residues 3-23): APAVLAPGIL[Val13Met]LLFTLVQRSN